The following is an entry in ClinVar:

NM_000540.3(RYR1):c.10942C>G (p.Arg3648Gly)

Gene: RYR1 (ryanodine receptor 1; plus strand). Cytogenetic location: 19q13.2.
Variant type: single nucleotide variant.
Coding change: c.10942C>G on transcript NM_000540.3 (MANE Select); coding-DNA position 10942, C replaced by G.
Protein change: p.Arg3648Gly; replaces arginine 3648 with glycine.
Molecular consequence: missense variant.
Genome position (GRCh38, 1-based): chr19:38,528,603, C>G. VCF-style: chr19-38528603-C-G. GRCh37 (hg19) VCF-style: chr19-39019243-C-G.
Other names: c.10927C>G, p.Arg3643Gly (NM_001042723.2); short protein forms R3643G, R3648G.
Identifiers: ClinVar variation 2171807 (VCV002171807.5), dbSNP rs2514496918, ClinGen allele CA405649686.
Genomic context (GRCh38, chr19:38,528,603, plus strand): 5'-GGTCGGGAAGCACGGAGGAGGGCGCGTCCCAGTGACGTCACACCTCTCCCCTGCAGGCAC[C>G]GGGCATGTAACATGTTCCTGGAGAGCTACAAGGCTGCATGGATCCTGACTGAAGACCACA-3'
Protein context (NP_000531.2, residues 3638-3658): MTPLYNLPTH[Arg3648Gly]ACNMFLESYK

ClinVar aggregate classification (germline): Uncertain significance. Review status: criteria provided, multiple submitters, no conflicts (2 of 4 stars). 2 submissions from 2 submitters: Uncertain significance (2). Last evaluated 2023-08-15.

Conditions:
RYR1-related disorder. Also called: RYR1-related condition; RYR1-related disorders. Identifiers: MedGen CN239331.
Malignant hyperthermia, susceptibility to, 1 (MHS1). Also called: Anesthesia related hyperthermia; Malignant hyperpyrexia; Fulminating hyperpyrexia; Pharmacogenic myopathy; RYR1-Related Malignant Hyperthermia Susceptibility; Malignant hyperthermia suceptibility 1. Identifiers: Orphanet 423, MedGen C2930980, MONDO:0007783, OMIM 145600.

Allele frequency attached by ClinVar (database versions not stated): gnomAD exomes 0.00001.
gnomAD v4.1: 8 of 1,614,086 alleles (0.0005%); highest among the groups gnomAD compares: Non-Finnish European, 0.00068%; no homozygotes.

Submissions (2):

All of Us Research Program, National Institutes of Health
Classification: Uncertain significance for Malignant hyperthermia, susceptibility to, 1. Last evaluated: 2023-08-15. Review status: criteria provided, single submitter. Criteria: ACMG Guidelines, 2015. Collection method: clinical testing. Allele origin: germline. Inheritance: Autosomal dominant inheritance. Observed: 1 variant allele, 1 heterozygote.
Comment: This study involves interpretation of variants in research participants for the purpose of population health screening. Participant phenotype was not available at the time of variant classification. Additional details can be found in publication PMID: 35346344, PMCID: PMC8962531

Labcorp Genetics (formerly Invitae), Labcorp
Classification: Uncertain significance for RYR1-related disorder. Last evaluated: 2022-11-10. Review status: criteria provided, single submitter. Criteria: Invitae Variant Classification Sherloc (09022015). Collection method: clinical testing. Allele origin: germline.
Comment: This sequence change replaces arginine, which is basic and polar, with glycine, which is neutral and non-polar, at codon 3648 of the RYR1 protein (p.Arg3648Gly). This variant is not present in population databases (gnomAD no frequency). This variant has not been reported in the literature in individuals affected with RYR1-related conditions. Advanced modeling of protein sequence and biophysical properties (such as structural, functional, and spatial information, amino acid conservation, physicochemical variation, residue mobility, and thermodynamic stability) performed at Invitae indicates that this missense variant is expected to disrupt RYR1 protein function. In summary, the available evidence is currently insufficient to determine the role of this variant in disease. Therefore, it has been classified as a Variant of Uncertain Significance.